The following is an entry in ClinVar:

NM_144997.7(FLCN):c.871+100C>T

Gene: FLCN (folliculin; minus strand). Cytogenetic location: 17p11.2.
Variant type: single nucleotide variant.
Coding change: c.871+100C>T on transcript NM_144997.7 (MANE Select); 100 bases into the intron after coding-DNA position 871, C replaced by T.
Molecular consequence: intron variant. On other transcripts: missense variant (1).
Genome position (GRCh38, 1-based): chr17:17,221,437, G>A on the plus strand (C>T on the coding strand, the complement: FLCN is on the minus strand). VCF-style: chr17-17221437-G-A. GRCh37 (hg19) VCF-style: chr17-17124751-G-A.
Other names: c.971C>T, p.Ala324Val (NM_144606.7); c.871+100C>T (NM_001353231.2, NM_001353230.2); c.925+100C>T (NM_001353229.2); c.971C>T (NM_144606.5); short protein forms A324V.
Identifiers: ClinVar variation 134428 (VCV000134428.4), dbSNP rs587778368, ClinGen allele CA159779.

ClinVar aggregate classification (germline): Likely benign. Review status: criteria provided, single submitter (1 of 4 stars). 3 submissions from 3 submitters: Likely benign (1). 2 of the submissions do not count toward it. Last evaluated 2024-11-25.

Conditions:
FLCN-related disorder. Also called: FLCN-related condition.

Allele frequency attached by ClinVar (database versions not stated): gnomAD 0.00005 and 0.00006; gnomAD exomes 0.00005 and 0.00014; ExAC 0.00010; TOPMed 0.00012.
gnomAD v4.1: 80 of 1,613,882 alleles (0.005%); highest among the groups gnomAD compares: East Asian, 0.16%; no homozygotes.

Submissions (3):

Blueprint Genetics
Classification: Likely benign. Last evaluated: 2024-11-25. Review status: criteria provided, single submitter. Criteria: ACMG Guidelines, 2015. Collection method: clinical testing. Allele origin: germline.

PreventionGenetics, part of Exact Sciences
Classification: Likely benign for FLCN-related condition. Last evaluated: 2024-06-05. Review status: no assertion criteria provided. Collection method: clinical testing. Allele origin: germline. Not counted in ClinVar's aggregate classification.
Comment: This variant is classified as likely benign based on ACMG/AMP sequence variant interpretation guidelines (Richards et al. 2015 PMID: 25741868, with internal and published modifications).

ITMI
No classification provided. Condition: AllHighlyPenetrant. Last evaluated: 2013-09-19. Review status: no classification provided. Collection method: reference population. Allele origin: germline. Not counted in ClinVar's aggregate classification.
Comment: Please see associated publication for description of ethnicities

Literature cited by the submitters: PubMed 24728327 (cited by ITMI).